The following is an entry in ClinVar:

NM_000209.4(PDX1):c.776G>T (p.Gly259Val)

Gene: PDX1 (pancreatic and duodenal homeobox 1; plus strand). Cytogenetic location: 13q12.2.
Variant type: single nucleotide variant.
Coding change: c.776G>T on transcript NM_000209.4 (MANE Select); coding-DNA position 776, G replaced by T.
Protein change: p.Gly259Val; replaces glycine 259 with valine.
Molecular consequence: missense variant.
Genome position (GRCh38, 1-based): chr13:27,924,625, G>T. VCF-style: chr13-27924625-G-T. GRCh37 (hg19) VCF-style: chr13-28498762-G-T.
Other names: short protein forms G259V.
Identifiers: ClinVar variation 4770225 (VCV004770225.1).
Genomic context (GRCh38, chr13:27,924,625, plus strand): 5'-CGCCGCCGCCGCCCCCCGGAGGTGCTGTGCCGCCCGCTGCCCCCGTTGCCGCCCGAGAGG[G>T]CCGCCTGCCGCCTGGCCTTAGCGCGTCGCCACAGCCCTCCAGCGTCGCGCCTCGGCGGCC-3'
Protein context (NP_000200.1, residues 249-269): PPAAPVAARE[Gly259Val]RLPPGLSASP

ClinVar aggregate classification (germline): Uncertain significance (1 of 4 stars; one submission).

gnomAD v4.1: 2 of 1,472,338 alleles (0.00014%); highest among the groups gnomAD compares: African/African-American, 0.0029%; no homozygotes.

Submission:

Labcorp Genetics (formerly Invitae), Labcorp
Classification: Uncertain significance. Last evaluated: 2025-07-16. Review status: criteria provided, single submitter. Criteria: Invitae Variant Classification Sherloc (09022015). Collection method: clinical testing. Allele origin: germline.
Comment: This sequence change replaces glycine, which is neutral and non-polar, with valine, which is neutral and non-polar, at codon 259 of the PDX1 protein (p.Gly259Val). This variant is not present in population databases (gnomAD no frequency). This variant has not been reported in the literature in individuals affected with PDX1-related conditions. An algorithm developed to predict the effect of missense changes on protein structure and function (PolyPhen-2) suggests that this variant is likely to be disruptive. In summary, the available evidence is currently insufficient to determine the role of this variant in disease. Therefore, it has been classified as a Variant of Uncertain Significance.